The following is an entry in ClinVar:

NM_000310.4(PPT1):c.343_344dup (p.Gln116fs)

Gene: PPT1 (palmitoyl-protein thioesterase 1; minus strand). Cytogenetic location: 1p34.2.
Variant type: Microsatellite.
Coding change: c.343_344dup on transcript NM_000310.4 (MANE Select); coding-DNA positions 343 to 344, 2 bases duplicated (TC; older notation c.343_344dupTC).
Protein change: p.Gln116fs; shifts the reading frame from glutamine 116.
Molecular consequence: frameshift variant. On other transcripts: intron variant (1).
Genome position (GRCh38, 1-based): chr1:40,092,063-40,092,064, GA duplicated on the plus strand (TC on the coding strand, the reverse complement: PPT1 is on the minus strand); duplicating any 2 consecutive bases within chr1:40,092,063-40,092,066 gives the same sequence; the c. name uses the placement nearest the transcript's 3' end. VCF-style (leftmost placement, unchanged base first): chr1-40092062-G-GGA. GRCh37 (hg19) VCF-style: chr1-40557734-G-GGA.
Other names: c.343_344dup, p.Gln116fs (NM_001363695.2); c.125-2554TC[3] (NM_001142604.2); short protein forms Q116fs.
Identifiers: ClinVar variation 1076529 (VCV001076529.2), dbSNP rs2124487750, ClinGen allele CA2580611437.
Genomic context (GRCh38, chr1:40,092,062, plus strand): 5'-TCAATTCCATATAAGTGGTACAATATAACAAAAAGGAACGTACAGAAATTGGCCTCCCTG[G>GGA]GAGAATCCCATAGCATTGTAGCCTTGCTGCAATTTAGGATCCTTAGCAAGTGCCTGACAC-3'

ClinVar aggregate classification (germline): Pathogenic (1 of 4 stars; one submission).

Conditions:
Neuronal ceroid lipofuscinosis 1 (CLN1). Also called: PPT1-Related Neuronal Ceroid-Lipofuscinosis; CEROID LIPOFUSCINOSIS, NEURONAL, 1, VARIABLE AGE AT ONSET. Identifiers: Orphanet 228329, MedGen C1850451, MONDO:0009744, OMIM 256730.

Submission:

Labcorp Genetics (formerly Invitae), Labcorp
Classification: Pathogenic for Neuronal ceroid lipofuscinosis 1. Last evaluated: 2020-02-11. Review status: criteria provided, single submitter. Criteria: Invitae Variant Classification Sherloc (09022015). Collection method: clinical testing. Allele origin: germline.
Comment: This sequence change creates a premature translational stop signal (p.Gln116Profs*7) in the PPT1 gene. It is expected to result in an absent or disrupted protein product. This variant is not present in population databases (ExAC no frequency). This variant has not been reported in the literature in individuals with PPT1-related conditions. Loss-of-function variants in PPT1 are known to be pathogenic (PMID: 10679943). For these reasons, this variant has been classified as Pathogenic.

Literature cited by the submitters: PubMed 10679943.